The following is an entry in ClinVar:

NM_000169.3(GLA):c.156C>A (p.Cys52Ter)

Genes: GLA (galactosidase alpha; minus strand), RPL36A-HNRNPH2 (RPL36A-HNRNPH2 readthrough; plus strand). Cytogenetic location: Xq22.1.
Variant type: single nucleotide variant.
Coding change: c.156C>A on transcript NM_000169.3 (MANE Select); coding-DNA position 156, C replaced by A.
Protein change: p.Cys52Ter; replaces cysteine 52 with a stop codon.
Molecular consequence: nonsense. On other transcripts: non-coding transcript variant (3), intron variant (2).
Genome position (GRCh38, 1-based): chrX:101,407,748, G>T on the plus strand (C>A on the coding strand, the complement: GLA is on the minus strand). VCF-style: chrX-101407748-G-T. GRCh37 (hg19) VCF-style: chrX-100662736-G-T.
Other names: NC_000023.10:g.100662736G>T; c.156C>A, p.Cys52Ter (NM_001406747.1, NM_001406748.1, NM_001406749.1); c.301-4188G>T (NM_001199973.2); c.178-4188G>T (NM_001199974.2); short protein forms C52*.
Identifiers: ClinVar variation 4087139 (VCV004087139.3).

ClinVar aggregate classification (germline): Pathogenic (1 of 4 stars; one submission).

Conditions:
Fabry disease. Also called: ALPHA-GALACTOSIDASE A DEFICIENCY; ANDERSON-FABRY DISEASE; CERAMIDE TRIHEXOSIDASE DEFICIENCY; GLA DEFICIENCY; HEREDITARY DYSTOPIC LIPIDOSIS; Angiokeratoma corporis diffusum. Identifiers: Orphanet 324, MedGen C0002986, MONDO:0010526, OMIM 301500, HP:0001071. Disease mechanism: Fabry disease is due to inactivating mutations in the X-linked GLA gene resulting in deficiency of the enzyme Alpha Galactosidase-A., loss of function.

Submissions (2):

Genomenon, Inc
Classification: Pathogenic for Fabry disease. Last evaluated: 2026-09-08. Review status: criteria provided, single submitter. Criteria: Genomenon Sequence Variant Interpretation Standards - Updated. Collection method: curation. Allele origin: germline. Affected: yes.
Comment: GLA p.Cys52Ter (c.156C>A) is a nonsense variant that introduces a premature stop codon at amino acid position 52 and is predicted to result in a truncated or absent protein product. This variant has been observed in at least one proband with clinical features consistent with Fabry disease (PMID:31996269;36917862;10666480). At least one functional study has demonstrated a substantial alteration in protein function relative to the wild-type (PMID:31613176). It is absent or not present at a significant frequency in gnomAD. In conclusion, we classify GLA p.Cys52Ter (c.156C>A) as a pathogenic variant.

Dr. Peter K. Rogan Lab, Western University
No classification provided (evidence only). Condition: Thyroid cancer, nonmedullary, 1. Review status: no classification provided. Collection method: in vitro. Allele origin: not applicable. Functional consequence: retained intron. Not counted in ClinVar's aggregate classification.

Literature cited by the submitters: PubMed 31996269 (cited by Genomenon, Inc); PubMed 36917862 (cited by Genomenon, Inc); PubMed 10666480 (cited by Genomenon, Inc); PubMed 31613176 (cited by Genomenon, Inc).